The following is an entry in ClinVar:

NM_001312673.2(PCYT1A):c.943A>G (p.Ser315Gly)

Gene: PCYT1A (phosphate cytidylyltransferase 1A, choline; minus strand). Cytogenetic location: 3q29.
Variant type: single nucleotide variant.
Coding change: c.943A>G on transcript NM_001312673.2 (MANE Select); coding-DNA position 943, A replaced by G.
Protein change: p.Ser315Gly; replaces serine 315 with glycine.
Molecular consequence: missense variant.
Genome position (GRCh38, 1-based): chr3:196,238,849, T>C on the plus strand (A>G on the coding strand, the complement: PCYT1A is on the minus strand). VCF-style: chr3-196238849-T-C. GRCh37 (hg19) VCF-style: chr3-195965720-T-C.
Other names: c.943A>G, p.Ser315Gly (NM_005017.4); short protein forms S315G.
Identifiers: ClinVar variation 1440425 (VCV001440425.8), dbSNP rs1217573932, ClinGen allele CA355608010.

ClinVar aggregate classification (germline): Uncertain significance (1 of 4 stars; one submission).

Allele frequency attached by ClinVar (database versions not stated): gnomAD exomes below 0.00001; TOPMed below 0.00001; gnomAD 0.00001.
gnomAD v4.1: 4 of 1,533,836 alleles (0.00026%); highest among the groups gnomAD compares: Admixed American, 0.0021%; no homozygotes.

Submission:

Labcorp Genetics (formerly Invitae), Labcorp
Classification: Uncertain significance. Last evaluated: 2021-07-04. Review status: criteria provided, single submitter. Criteria: Invitae Variant Classification Sherloc (09022015). Collection method: clinical testing. Allele origin: germline.
Comment: In summary, the available evidence is currently insufficient to determine the role of this variant in disease. Therefore, it has been classified as a Variant of Uncertain Significance. Advanced modeling of protein sequence and biophysical properties (such as structural, functional, and spatial information, amino acid conservation, physicochemical variation, residue mobility, and thermodynamic stability) performed at Invitae indicates that this missense variant is not expected to disrupt PCYT1A protein function. This variant has not been reported in the literature in individuals affected with PCYT1A-related conditions. This variant is not present in population databases (ExAC no frequency). This sequence change replaces serine with glycine at codon 315 of the PCYT1A protein (p.Ser315Gly). The serine residue is highly conserved and there is a small physicochemical difference between serine and glycine.